The following is an entry in ClinVar:

NM_001048174.2(MUTYH):c.686T>G (p.Leu229Arg)

Gene: MUTYH (mutY DNA glycosylase; minus strand). Cytogenetic location: 1p34.1.
Variant type: single nucleotide variant.
Coding change: c.686T>G on transcript NM_001048174.2 (MANE Select); coding-DNA position 686, T replaced by G.
Protein change: p.Leu229Arg; replaces leucine 229 with arginine.
Molecular consequence: missense variant. On other transcripts: non-coding transcript variant (2).
Genome position (GRCh38, 1-based): chr1:45,332,409, A>C on the plus strand (T>G on the coding strand, the complement: MUTYH is on the minus strand). VCF-style: chr1-45332409-A-C. GRCh37 (hg19) VCF-style: chr1-45798081-A-C.
Other names: c.686T>G, p.Leu229Arg (NM_001048171.2, NM_001048173.2, NM_001293195.2); c.689T>G, p.Leu230Arg (NM_001048172.2); c.770T>G, p.Leu257Arg (NM_001128425.2); c.731T>G, p.Leu244Arg (NM_001293190.2); c.719T>G, p.Leu240Arg (NM_001293191.2); c.410T>G, p.Leu137Arg (NM_001293192.2, NM_001293196.2); c.341T>G, p.Leu114Arg (NM_001350650.2, NM_001350651.2); c.761T>G, p.Leu254Arg (NM_012222.3); short protein forms L137R, L244R, L254R, L114R, L230R, L257R, L229R, L240R.
Identifiers: ClinVar variation 827215 (VCV000827215.15), dbSNP rs112422930, ClinGen allele CA21837319.
Genomic context (GRCh38, chr1:45,332,409, plus strand): 5'-TGCAGACACCCCTGAAGCACCCTTGTTACCCCAACATCCTACCAGAGCTGCTGGGAAACA[A>C]GGGTGCTGCTGGGATCAGCACCAATGGCTCGGACACGGCACAGCACCCGTGCTACGTTGC-3'
Protein context (NP_001041639.1, residues 219-239): RAIGADPSST[Leu229Arg]VSQQLWGLAQ

ClinVar aggregate classification (germline): Conflicting classifications of pathogenicity. Review status: criteria provided, conflicting classifications (1 of 4 stars). 2 submissions from 2 submitters: Uncertain significance (1); Benign (1). Last evaluated 2025-09-16.

Conditions:
Hereditary cancer-predisposing syndrome. Also called: Tumor predisposition; Hereditary Cancer Syndrome; Hereditary neoplastic syndrome; Neoplastic Syndromes, Hereditary. Identifiers: Orphanet 140162, MedGen C0027672, MeSH D009386, MONDO:0015356.
Familial adenomatous polyposis 2. Also called: FAP type 2; MUTYH Polyposis; COLORECTAL ADENOMATOUS POLYPOSIS, AUTOSOMAL RECESSIVE; ADENOMAS, MULTIPLE COLORECTAL, AUTOSOMAL RECESSIVE; MUTYH-associated polyposis; MUTYH-related attenuated familial adenomatous polyposis. Identifiers: Orphanet 220460, Orphanet 247798, MedGen C3272841, MONDO:0012041, OMIM 608456.

Allele frequency attached by ClinVar (database versions not stated): gnomAD 0.00001; TOPMed 0.00001.

Submissions (2):

Ambry Genetics
Classification: Benign for Hereditary cancer-predisposing syndrome. Last evaluated: 2025-09-16. Review status: criteria provided, single submitter. Criteria: Ambry Variant Classification Scheme 2023. Collection method: clinical testing. Allele origin: germline.

Labcorp Genetics (formerly Invitae), Labcorp
Classification: Uncertain significance for Familial adenomatous polyposis 2. Last evaluated: 2025-06-05. Review status: criteria provided, single submitter. Criteria: Invitae Variant Classification Sherloc (09022015). Collection method: clinical testing. Allele origin: germline.
Comment: This sequence change replaces leucine, which is neutral and non-polar, with arginine, which is basic and polar, at codon 257 of the MUTYH protein (p.Leu257Arg). This variant is not present in population databases (gnomAD no frequency). This variant has not been reported in the literature in individuals affected with MUTYH-related conditions. ClinVar contains an entry for this variant (Variation ID: 827215). An algorithm developed to predict the effect of missense changes on protein structure and function (PolyPhen-2) suggests that this variant is likely to be tolerated. In summary, the available evidence is currently insufficient to determine the role of this variant in disease. Therefore, it has been classified as a Variant of Uncertain Significance.